The following is an entry in ClinVar:

ClinVar aggregate classification (germline): Uncertain significance (1 of 4 stars; one submission).

Submission:

Laboratory for Molecular Medicine, Mass General Brigham Personalized Medicine
Classification: Uncertain significance. Last evaluated: 2015-08-12. Review status: criteria provided, single submitter. Criteria: LMM Criteria. Collection method: clinical testing. Allele origin: germline. Observed: 1 variant allele.
Comment: The p.Thr25464Asn variant in TTN has not been previously reported in individuals with cardiomyopathy and was absent from large population studies. Threonine (Th r) at position 2564 is not conserved in evolution and 1 mammal (armadillo) as we ll as several lower species carry an asparagine (Asn) at this position, raising the possibility that this change may be tolerated. In summary, the clinical sign ificance of the p.Thr25464Asn variant is uncertain.

NM_001267550.2(TTN):c.84095C>A (p.Thr28032Asn)

Genes: TTN (titin; minus strand), TTN-AS1 (TTN antisense RNA 1; plus strand). Cytogenetic location: 2q31.2.
Variant type: single nucleotide variant.
Coding change: c.84095C>A on transcript NM_001267550.2 (MANE Select); coding-DNA position 84095, C replaced by A.
Protein change: p.Thr28032Asn; replaces threonine 28032 with asparagine.
Molecular consequence: missense variant.
Genome position (GRCh38, 1-based): chr2:178,562,037, G>T on the plus strand (C>A on the coding strand, the complement: TTN is on the minus strand). VCF-style: chr2-178562037-G-T. GRCh37 (hg19) VCF-style: chr2-179426764-G-T.
Other names: c.76391C>A, p.Thr25464Asn (NM_133378.4); c.79172C>A, p.Thr26391Asn (NM_001256850.1); c.56900C>A, p.Thr18967Asn (NM_003319.4); c.57275C>A, p.Thr19092Asn (NM_133432.3); c.57476C>A, p.Thr19159Asn (NM_133437.4); short protein forms T25464N, T28032N, T26391N, T18967N, T19159N, T19092N.
Identifiers: ClinVar variation 229531 (VCV000229531.5), dbSNP rs876658087, ClinGen allele CA10576472.